The following is an entry in ClinVar:

ClinVar aggregate classification (germline): Uncertain significance. Review status: criteria provided, multiple submitters, no conflicts (2 of 4 stars). 2 submissions from 2 submitters: Uncertain significance (2). Last evaluated 2025-08-21.

Conditions:
Arrhythmogenic right ventricular dysplasia 12. Also called: ARRHYTHMOGENIC RIGHT VENTRICULAR DYSPLASIA, FAMILIAL, 12. Identifiers: MedGen C1969081, MONDO:0012684, OMIM 611528.
Naxos disease (NXD). Also called: KERATOSIS PALMOPLANTARIS WITH ARRHYTHMOGENIC CARDIOMYOPATHY; CARDIOMYOPATHY, ARRHYTHMOGENIC RIGHT VENTRICULAR, WITH SKIN, HAIR, AND NAIL ABNORMALITIES; PALMOPLANTAR KERATODERMA WITH ARRHYTHMOGENIC RIGHT VENTRICULAR CARDIOMYOPATHY AND WOOLLY HAIR; WOOLLY HAIR, PALMOPLANTAR KERATODERMA, AND CARDIAC ABNORMALITIES; MAL DE NAXOS. Identifiers: Orphanet 34217, MedGen C1832600, MONDO:0011017, OMIM 601214.

Allele frequency attached by ClinVar (database versions not stated): gnomAD exomes below 0.00001; ExAC 0.00001; TOPMed 0.00001.
gnomAD v4.1: 3 of 1,601,166 alleles (0.00019%); highest among the groups gnomAD compares: African/African-American, 0.0013%; no homozygotes.

Submissions (2):

Labcorp Genetics (formerly Invitae), Labcorp
Classification: Uncertain significance for Arrhythmogenic right ventricular dysplasia 12; Naxos disease. Last evaluated: 2025-08-21. Review status: criteria provided, single submitter. Criteria: Invitae Variant Classification Sherloc (09022015). Collection method: clinical testing. Allele origin: germline.
Comment: This sequence change replaces alanine, which is neutral and non-polar, with threonine, which is neutral and polar, at codon 163 of the JUP protein (p.Ala163Thr). This variant is not present in population databases (gnomAD no frequency). This variant has not been reported in the literature in individuals affected with JUP-related conditions. ClinVar contains an entry for this variant (Variation ID: 1517384). An algorithm developed to predict the effect of missense changes on protein structure and function (PolyPhen-2) suggests that this variant is likely to be disruptive. In summary, the available evidence is currently insufficient to determine the role of this variant in disease. Therefore, it has been classified as a Variant of Uncertain Significance.

Fulgent Genetics
Classification: Uncertain significance for Naxos disease; Arrhythmogenic right ventricular dysplasia 12. Last evaluated: 2021-10-28. Review status: criteria provided, single submitter. Criteria: ACMG Guidelines, 2015. Collection method: clinical testing. Allele origin: unknown.

NM_002230.4(JUP):c.487G>A (p.Ala163Thr)

Gene: JUP (junction plakoglobin; minus strand). Cytogenetic location: 17q21.2.
Variant type: single nucleotide variant.
Coding change: c.487G>A on transcript NM_002230.4 (MANE Select); coding-DNA position 487, G replaced by A.
Protein change: p.Ala163Thr; replaces alanine 163 with threonine.
Molecular consequence: missense variant.
Genome position (GRCh38, 1-based): chr17:41,769,189, C>T on the plus strand (G>A on the coding strand, the complement: JUP is on the minus strand). VCF-style: chr17-41769189-C-T. GRCh37 (hg19) VCF-style: chr17-39925441-C-T.
Other names: c.487G>A, p.Ala163Thr (NM_001352773.2, NM_001352774.2, NM_001352775.2 and 3 more transcripts); short protein forms A163T.
Identifiers: ClinVar variation 1517384 (VCV001517384.9), dbSNP rs782239920, ClinGen allele CA8565459.